The following is an entry in ClinVar:

ClinVar aggregate classification (germline): Conflicting classifications of pathogenicity. Review status: criteria provided, conflicting classifications (1 of 4 stars). 4 submissions from 4 submitters: Uncertain significance (3); Likely benign (1). Last evaluated 2025-12-16.

Conditions:
Hereditary cancer-predisposing syndrome. Also called: Neoplastic Syndromes, Hereditary; Hereditary neoplastic syndrome; Hereditary Cancer Syndrome; Tumor predisposition. Identifiers: Orphanet 140162, MedGen C0027672, MeSH D009386, MONDO:0015356.
Hereditary breast ovarian cancer syndrome. Also called: Hereditary breast and ovarian cancer syndrome; BRCA1- and BRCA2-Associated Hereditary Breast and Ovarian Cancer; Hereditary breast and/or ovarian cancer syndrome; Hereditary breast and ovarian cancer; Breast and ovarian cancer; Hereditary breast and ovarian cancer syndrome (HBOC). Identifiers: Orphanet 145, MedGen C0677776, MeSH D061325, MONDO:0003582. Disease mechanism: loss of function.
Breast-ovarian cancer, familial, susceptibility to, 2 (BROVCA2). Also called: BRCA2 Hereditary Breast and Ovarian Cancer. Identifiers: Orphanet 145, MedGen C2675520, MONDO:0012933, OMIM 612555. Disease mechanism: loss of function.

Allele frequency attached by ClinVar (database versions not stated): TOPMed 0.00001.
gnomAD v4.1: 2 of 1,612,730 alleles (0.00012%); highest among the groups gnomAD compares: African/African-American, 0.0027%; no homozygotes.

Submissions (4):

Labcorp Genetics (formerly Invitae), Labcorp
Classification: Uncertain significance for Hereditary breast ovarian cancer syndrome. Last evaluated: 2025-12-16. Review status: criteria provided, single submitter. Criteria: Invitae Variant Classification Sherloc (09022015). Collection method: clinical testing. Allele origin: germline.
Comment: This sequence change replaces isoleucine, which is neutral and non-polar, with methionine, which is neutral and non-polar, at codon 1884 of the BRCA2 protein (p.Ile1884Met). This variant is present in population databases (no rsID available, gnomAD 0.01%). This variant has not been reported in the literature in individuals affected with BRCA2-related conditions. ClinVar contains an entry for this variant (Variation ID: 944788). Invitae Evidence Modeling of protein sequence and biophysical properties (such as structural, functional, and spatial information, amino acid conservation, physicochemical variation, residue mobility, and thermodynamic stability) indicates that this missense variant is not expected to disrupt BRCA2 protein function with a negative predictive value of 95%. In summary, the available evidence is currently insufficient to determine the role of this variant in disease. Therefore, it has been classified as a Variant of Uncertain Significance.

Ambry Genetics
Classification: Uncertain significance for Hereditary cancer-predisposing syndrome. Last evaluated: 2024-04-05. Review status: criteria provided, single submitter. Criteria: Ambry Variant Classification Scheme 2023. Collection method: clinical testing. Allele origin: germline.
Comment: The p.I1884M variant (also known as c.5652T>G), located in coding exon 10 of the BRCA2 gene, results from a T to G substitution at nucleotide position 5652. The isoleucine at codon 1884 is replaced by methionine, an amino acid with highly similar properties. This amino acid position is poorly conserved in available vertebrate species. In addition, this alteration is predicted to be tolerated by in silico analysis. Since supporting evidence is limited at this time, the clinical significance of this alteration remains unclear.

All of Us Research Program, National Institutes of Health
Classification: Uncertain significance for Breast-ovarian cancer, familial, susceptibility to, 2. Last evaluated: 2023-06-26. Review status: criteria provided, single submitter. Criteria: ACMG Guidelines, 2015. Collection method: clinical testing. Allele origin: germline. Inheritance: Autosomal dominant inheritance. Observed: 2 variant alleles, 2 heterozygotes.
Comment: This missense variant replaces isoleucine with methionine at codon 1884 of the BRCA2 protein. Computational prediction suggests that this variant may not impact protein structure and function (internally defined REVEL score threshold <= 0.5, PMID: 27666373). To our knowledge, functional studies have not been reported for this variant. This variant has not been reported in individuals affected with BRCA2-related disorders in the literature. This variant has been identified in 1/31392 chromosomes in the general population by the Genome Aggregation Database (gnomAD). The available evidence is insufficient to determine the role of this variant in disease conclusively. Therefore, this variant is classified as a Variant of Uncertain Significance.

This study involves interpretation of variants in research participants for the purpose of population health screening. Participant phenotype was not available at the time of variant classification. Additional details can be found in publication PMID: 35346344, PMCID: PMC8962531

University of Washington Department of Laboratory Medicine, University of Washington
Classification: Likely benign for Hereditary cancer-predisposing syndrome. Last evaluated: 2023-03-23. Review status: criteria provided, single submitter. Criteria: Dines et al. (Genet Med. 2020). Collection method: curation. Allele origin: germline.
Comment: Missense variant in a coldspot region where missense variants are very unlikely to be pathogenic (PMID:31911673).

BRCA2 exon 11 coldspot. Reclassification based on statistical prior probability.

NM_000059.4(BRCA2):c.5652T>G (p.Ile1884Met)

Gene: BRCA2 (BRCA2 DNA repair associated; plus strand). Cytogenetic location: 13q13.1.
Variant type: single nucleotide variant.
Coding change: c.5652T>G on transcript NM_000059.4 (MANE Select); coding-DNA position 5652, T replaced by G.
Protein change: p.Ile1884Met; replaces isoleucine 1884 with methionine.
Molecular consequence: missense variant.
Genome position (GRCh38, 1-based): chr13:32,340,007, T>G. VCF-style: chr13-32340007-T-G. GRCh37 (hg19) VCF-style: chr13-32914144-T-G.
Other names: short protein forms I1884M.
Identifiers: ClinVar variation 944788 (VCV000944788.15), dbSNP rs766067138, ClinGen allele CA387786164.